The following is an entry in ClinVar:

NC_000004.11:g.(?_5682967)_(5721120_?)del

Genes: EVC (EvC ciliary complex subunit 1; plus strand), EVC2 (EvC ciliary complex subunit 2; minus strand). Cytogenetic location: 4p16.2.
Variant type: Deletion.
Identifiers: ClinVar variation 3246636 (VCV003246636.1).

ClinVar aggregate classification (germline): Pathogenic (1 of 4 stars; one submission).

Conditions:
Ellis-van Creveld syndrome (EVC). Also called: MESOECTODERMAL DYSPLASIA; Chondroectodermal dysplasia; EVC-Related Ellis-van Creveld Syndrome; EVC2-Related Ellis-van Creveld Syndrome. Identifiers: Orphanet 289, MedGen C0013903, MONDO:0009162, OMIM 225500.
Curry-Hall syndrome (WAD). Also called: WEYERS ACRODENTAL DYSOSTOSIS. Identifiers: Orphanet 952, MedGen C0457013, MONDO:0008673, OMIM 193530.

Submission:

Labcorp Genetics (formerly Invitae), Labcorp
Classification: Pathogenic for Curry-Hall syndrome; Ellis-van Creveld syndrome. Last evaluated: 2024-01-21. Review status: criteria provided, single submitter. Criteria: Invitae Variant Classification Sherloc (09022015). Collection method: clinical testing. Allele origin: unknown.
Comment: This variant is a gross deletion of the genomic region encompassing exon(s) 1-2 of the EVC gene, which includes the initiator codon. This deletion extends beyond the assayed region for this gene and therefore may encompass additional genes. It is expected to result in an absent or disrupted protein product. Loss-of-function variants in EVC are known to be pathogenic (PMID: 23220543). This variant has not been reported in the literature in individuals affected with EVC-related conditions. For these reasons, this variant has been classified as Pathogenic.

Literature cited by the submitters: PubMed 23220543.